The following is an entry in ClinVar:

NM_025114.4(CEP290):c.4879dup (p.Glu1627fs)

Gene: CEP290 (centrosomal protein 290; minus strand). Cytogenetic location: 12q21.32.
Variant type: Duplication.
Coding change: c.4879dup on transcript NM_025114.4 (MANE Select); coding-DNA position 4879, one base duplicated (G; older notation c.4879dupG).
Protein change: p.Glu1627fs; shifts the reading frame from glutamic acid 1627.
Molecular consequence: frameshift variant.
Genome position (GRCh38, 1-based): chr12:88,083,164, C duplicated on the plus strand (G on the coding strand, the reverse complement: CEP290 is on the minus strand); the first of 2 consecutive C bases (chr12:88,083,164-88,083,165); duplicating either gives the same sequence. VCF-style (leftmost placement, unchanged base first): chr12-88083163-T-TC. GRCh37 (hg19) VCF-style: chr12-88476940-T-TC.
Other names: short protein forms E1627fs.
Identifiers: ClinVar variation 2030580 (VCV002030580.4), dbSNP rs2499959456, ClinGen allele CA2580086837.

ClinVar aggregate classification (germline): Pathogenic (1 of 4 stars; one submission).

Conditions:
Joubert syndrome. Also called: CEREBELLOPARENCHYMAL DISORDER IV; JOUBERT-BOLTSHAUSER SYNDROME; Familial aplasia of the vermis. Identifiers: Orphanet 475, MedGen C5979921, MONDO:0018772.
Nephronophthisis. Also called: Juvenile Nephronophthisis. Identifiers: Orphanet 655, MedGen C0687120, MONDO:0019005, HP:0000090.
Meckel-Gruber syndrome. Also called: DYSENCEPHALIA SPLANCHNOCYSTICA; GRUBER SYNDROME; Dysencephalia splachnocystica. Identifiers: Orphanet 564, MedGen C0265215, MONDO:0018921.

Submission:

Labcorp Genetics (formerly Invitae), Labcorp
Classification: Pathogenic for Joubert syndrome; Meckel-Gruber syndrome; Nephronophthisis. Last evaluated: 2022-09-15. Review status: criteria provided, single submitter. Criteria: Invitae Variant Classification Sherloc (09022015). Collection method: clinical testing. Allele origin: germline.
Comment: This variant is not present in population databases (gnomAD no frequency). This sequence change creates a premature translational stop signal (p.Glu1627Glyfs*9) in the CEP290 gene. It is expected to result in an absent or disrupted protein product. Loss-of-function variants in CEP290 are known to be pathogenic (PMID: 16909394, 17345604, 20690115). This variant has not been reported in the literature in individuals affected with CEP290-related conditions. For these reasons, this variant has been classified as Pathogenic.

Literature cited by the submitters: PubMed 16909394; PubMed 17345604; PubMed 20690115.